The following is an entry in ClinVar:

ClinVar aggregate classification (germline): Conflicting classifications of pathogenicity. Review status: criteria provided, conflicting classifications (1 of 4 stars). 3 submissions from 3 submitters: Uncertain significance (1); Likely benign (2). Last evaluated 2025-09-24.

Conditions:
Kabuki syndrome 2 (KABUK2). Also called: KDM6A-Related Kabuki Syndrome. Identifiers: Orphanet 2322, MedGen C3275495, MONDO:0010465, OMIM 300867.

Allele frequency attached by ClinVar (database versions not stated): gnomAD exomes 0.00001 and 0.00010; ExAC 0.00004; gnomAD 0.00006 and 0.00007; TOPMed 0.00007; ESP Exome Variant Server 0.00028.
gnomAD v4.1: 117 of 1,197,078 alleles (0.0098%); highest among the groups gnomAD compares: Non-Finnish European, 0.013%; no homozygotes.

Submissions (3):

Labcorp Genetics (formerly Invitae), Labcorp
Classification: Likely benign for Kabuki syndrome 2. Last evaluated: 2025-09-24. Review status: criteria provided, single submitter. Criteria: Invitae Variant Classification Sherloc (09022015). Collection method: clinical testing. Allele origin: germline.

Fulgent Genetics
Classification: Uncertain significance for Kabuki syndrome 2. Last evaluated: 2024-06-12. Review status: criteria provided, single submitter. Criteria: ACMG Guidelines, 2015. Collection method: clinical testing. Allele origin: germline.

CeGaT Center for Human Genetics Tuebingen
Classification: Likely benign. Last evaluated: 2024-02-01. Review status: criteria provided, single submitter. Criteria: CeGaT Center For Human Genetics Tuebingen Variant Classification Criteria Version 2. Collection method: clinical testing. Allele origin: germline. Affected: yes. Observed: 1 variant allele.
Comment: KDM6A: BP4, BP7

NM_001291415.2(KDM6A):c.294A>G (p.Gln98=)

Gene: KDM6A (lysine demethylase 6A; plus strand). Cytogenetic location: Xp11.3.
Variant type: single nucleotide variant.
Coding change: c.294A>G on transcript NM_001291415.2 (MANE Select); coding-DNA position 294, A replaced by G.
Protein change: p.Gln98=; no amino-acid change (glutamine 98 retained).
Molecular consequence: synonymous variant. On other transcripts: 5 prime UTR variant (1), non-coding transcript variant (1).
Genome position (GRCh38, 1-based): chrX:44,961,352, A>G. VCF-style: chrX-44961352-A-G. GRCh37 (hg19) VCF-style: chrX-44820597-A-G.
Other names: c.294A>G, p.Gln98= (NM_001291416.2, NM_001291417.2, NM_001291418.2 and 1 more transcripts); c.-339A>G (NM_001291421.2); c.294A>G (NM_021140.3).
Identifiers: ClinVar variation 1429905 (VCV001429905.29), dbSNP rs200940558, ClinGen allele CA10392158.